The following is an entry in ClinVar:

ClinVar aggregate classification (germline): Conflicting classifications of pathogenicity. Review status: criteria provided, conflicting classifications (1 of 4 stars). 7 submissions from 7 submitters: Uncertain significance (6); Benign (1). Last evaluated 2026-01-21.

Conditions:
Hereditary nonpolyposis colorectal neoplasms. Identifiers: MedGen C0009405, MeSH D003123.
Hereditary cancer-predisposing syndrome. Also called: Neoplastic Syndromes, Hereditary; Tumor predisposition; Hereditary Cancer Syndrome; Hereditary neoplastic syndrome. Identifiers: Orphanet 140162, MedGen C0027672, MeSH D009386, MONDO:0015356.
Lynch syndrome. Identifiers: Orphanet 144, MedGen C4552100, MONDO:0005835. Disease mechanism: loss of function.
Lynch syndrome 4 (LYNCH4). Also called: Colorectal cancer, hereditary nonpolyposis, type 4; Hereditary non-polyposis colorectal cancer, type 4. Identifiers: Orphanet 144, MedGen C1838333, MONDO:0013699, OMIM 614337. Disease mechanism: loss of function.

Allele frequency attached by ClinVar (database versions not stated): gnomAD 0.00001; gnomAD exomes 0.00001 and 0.00002; TOPMed 0.00001.
gnomAD v4.1: 14 of 1,614,060 alleles (0.00087%); highest among the groups gnomAD compares: Non-Finnish European, 0.00017%; no homozygotes.

Submissions (7):

Labcorp Genetics (formerly Invitae), Labcorp
Classification: Benign for Hereditary nonpolyposis colorectal neoplasms. Last evaluated: 2026-01-21. Review status: criteria provided, single submitter. Criteria: Invitae Variant Classification Sherloc (09022015). Collection method: clinical testing. Allele origin: germline.

Color Diagnostics, LLC DBA Color Health
Classification: Uncertain significance for Hereditary cancer-predisposing syndrome. Last evaluated: 2025-10-21. Review status: criteria provided, single submitter. Criteria: ACMG Guidelines, 2015. Collection method: clinical testing. Allele origin: germline.
Comment: This missense variant replaces glutamic acid with lysine at codon 422 of the PMS2 protein. Computational prediction suggests that this variant may not impact protein structure and function. To our knowledge, functional studies have not been reported for this variant. This variant has not been reported in individuals affected with PMS2-related disorders in the literature. This variant has been identified in 14/1614060 chromosomes in the general population by the Genome Aggregation Database (gnomAD). The available evidence is insufficient to determine the role of this variant in disease conclusively. Therefore, this variant is classified as a Variant of Uncertain Significance.

Ambry Genetics
Classification: Uncertain significance for Hereditary cancer-predisposing syndrome. Last evaluated: 2025-01-08. Review status: criteria provided, single submitter. Criteria: Ambry Variant Classification Scheme 2023. Collection method: clinical testing. Allele origin: germline.
Comment: The p.E422K variant (also known as c.1264G>A), located in coding exon 11 of the PMS2 gene, results from a G to A substitution at nucleotide position 1264. The glutamic acid at codon 422 is replaced by lysine, an amino acid with similar properties. This amino acid position is highly conserved in available vertebrate species. In addition, the in silico prediction for this alteration is inconclusive. Based on the available evidence, the clinical significance of this variant remains unclear.

All of Us Research Program, National Institutes of Health
Classification: Uncertain significance for Lynch syndrome. Last evaluated: 2024-08-29. Review status: criteria provided, single submitter. Criteria: ACMG Guidelines, 2015. Collection method: clinical testing. Allele origin: germline. Inheritance: Autosomal dominant inheritance. Observed: 6 variant alleles, 6 heterozygotes.
Comment: This missense variant replaces glutamic acid with lysine at codon 422 of the PMS2 protein. Computational prediction suggests that this variant may not impact protein structure and function (internally defined REVEL score threshold <= 0.5, PMID: 27666373). Splice site prediction tools suggest that this variant may not impact RNA splicing. To our knowledge, functional studies have not been performed for this variant. This variant has not been reported in individuals affected with hereditary cancer in the literature. This variant has been identified in 4/251060 chromosomes in the general population by the Genome Aggregation Database (gnomAD). The available evidence is insufficient to determine the role of this variant in disease conclusively. Therefore, this variant is classified as a Variant of Uncertain Significance.

This study involves interpretation of variants in research participants for the purpose of population health screening. Participant phenotype was not available at the time of variant classification. Additional details can be found in publication PMID: 35346344, PMCID: PMC8962531

Baylor Genetics
Classification: Uncertain significance for Lynch syndrome 4. Last evaluated: 2023-10-25. Review status: criteria provided, single submitter. Criteria: ACMG Guidelines, 2015. Collection method: clinical testing. Allele origin: unknown.

GeneDx
Classification: Uncertain significance. Last evaluated: 2021-05-03. Review status: criteria provided, single submitter. Criteria: GeneDx Variant Classification Process June 2021. Collection method: clinical testing. Allele origin: germline. Affected: yes.
Comment: In silico analysis supports that this missense variant does not alter protein structure/function; Has not been previously published as pathogenic or benign to our knowledge

Women's Health and Genetics/Laboratory Corporation of America, LabCorp
Classification: Uncertain significance. Last evaluated: 2017-03-16. Review status: criteria provided, single submitter. Criteria: LabCorp Variant Classification Summary - May 2015. Collection method: clinical testing. Allele origin: germline.
Comment: Variant summary: The PMS2 c.1264G>A (p.Glu422Lys) variant causes a missense change involving the alteration of a conserved nucleotide. 3/4 in silico tools predict a damaging outcome for this variant (SNPs&GO not captured due to low reliability index). The variant of interest is absent in the large, broad control population, ExAC. The variant is not in any known functional domain of the protein (InterPro). Multiple clinical diagnostic laboratories/reputable databases classified this variant as uncertain significance. The variant of interest has not, to our knowledge, been reported in affected individuals via publications nor evaluated for functional impact by in vivo/vitro studies. Because of the absence of clinical information and the lack of functional studies, the variant is classified as a variant of uncertain significance (VUS) until additional information becomes available.

NM_000535.7(PMS2):c.1264G>A (p.Glu422Lys)

Gene: PMS2 (PMS1 homolog 2, mismatch repair system component; minus strand). Cytogenetic location: 7p22.1.
Variant type: single nucleotide variant.
Coding change: c.1264G>A on transcript NM_000535.7 (MANE Select); coding-DNA position 1264, G replaced by A.
Protein change: p.Glu422Lys; replaces glutamic acid 422 with lysine.
Molecular consequence: missense variant. On other transcripts: non-coding transcript variant (1).
Genome position (GRCh38, 1-based): chr7:5,987,501, C>T on the plus strand (G>A on the coding strand, the complement: PMS2 is on the minus strand). VCF-style: chr7-5987501-C-T. GRCh37 (hg19) VCF-style: chr7-6027132-C-T.
Other names: c.859G>A, p.Glu287Lys (NM_001322003.2, NM_001322004.2, NM_001322005.2 and 1 more transcripts); c.1108G>A, p.Glu370Lys (NM_001322006.2); c.946G>A, p.Glu316Lys (NM_001322007.2, NM_001322008.2); c.703G>A, p.Glu235Lys (NM_001322010.2); c.331G>A, p.Glu111Lys (NM_001322011.2, NM_001322012.2); c.691G>A, p.Glu231Lys (NM_001322013.2); c.1264G>A, p.Glu422Lys (NM_001322014.2); c.955G>A, p.Glu319Lys (NM_001322015.2); short protein forms E422K, E231K, E319K, E370K, E316K, E287K, E111K, E235K.
Identifiers: ClinVar variation 142008 (VCV000142008.26), dbSNP rs587782175, ClinGen allele CA009437.